The following is an entry in ClinVar:

ClinVar aggregate classification (germline): Pathogenic (1 of 4 stars; one submission).

Conditions:
Familial intrahepatic cholestasis. Identifiers: Orphanet 284385, MedGen CN296401, MONDO:0017290.

Submission:

Genomenon, Inc
Classification: Pathogenic for Familial intrahepatic cholestasis. Last evaluated: 2026-04-14. Review status: criteria provided, single submitter. Criteria: Genomenon Sequence Variant Interpretation Standards - Updated. Collection method: curation. Allele origin: germline. Affected: yes.
Comment: ABCB11 c.909-2A>G is a canonical splice variant affecting the acceptor splice site of intron 9. It is predicted to affect mRNA splicing, leading to a deleterious effect on the ABCB11 protein. This variant has been observed in at least one proband with an ABCB11-related disorder (PMID:27050426). It is absent or not present at a significant frequency in gnomAD. In conclusion, we classify ABCB11 c.909-2A>G as a pathogenic variant.

Literature cited by the submitters: PubMed 27050426.

NM_003742.4(ABCB11):c.909-2A>G

Gene: ABCB11 (ATP binding cassette subfamily B member 11; minus strand). Cytogenetic location: 2q31.1.
Variant type: single nucleotide variant.
Coding change: c.909-2A>G on transcript NM_003742.4 (MANE Select); the canonical splice acceptor site of the intron before coding-DNA position 909, A replaced by G.
Molecular consequence: splice acceptor variant.
Genome position (GRCh38, 1-based): chr2:168,986,286, T>C on the plus strand (A>G on the coding strand, the complement: ABCB11 is on the minus strand). VCF-style: chr2-168986286-T-C. GRCh37 (hg19) VCF-style: chr2-169842796-T-C.
Identifiers: ClinVar variation 4846725 (VCV004846725.1).